The following is an entry in ClinVar:

NM_017999.5(RNF31):c.2681G>A (p.Arg894His)

Gene: RNF31 (ring finger protein 31; plus strand). Cytogenetic location: 14q12.
Variant type: single nucleotide variant.
Coding change: c.2681G>A on transcript NM_017999.5 (MANE Select); coding-DNA position 2681, G replaced by A.
Protein change: p.Arg894His; replaces arginine 894 with histidine.
Molecular consequence: missense variant.
Genome position (GRCh38, 1-based): chr14:24,157,592, G>A. VCF-style: chr14-24157592-G-A. GRCh37 (hg19) VCF-style: chr14-24626801-G-A.
Other names: c.2228G>A, p.Arg743His (NM_001310332.2); short protein forms R894H, R743H.
Identifiers: ClinVar variation 3658690 (VCV003658690.2).

ClinVar aggregate classification (germline): Uncertain significance (1 of 4 stars; one submission).

gnomAD v4.1: 10 of 1,613,982 alleles (0.00062%); highest among the groups gnomAD compares: Non-Finnish European, 0.00076%; no homozygotes.

Submission:

Labcorp Genetics (formerly Invitae), Labcorp
Classification: Uncertain significance. Last evaluated: 2025-03-31. Review status: criteria provided, single submitter. Criteria: Invitae Variant Classification Sherloc (09022015). Collection method: clinical testing. Allele origin: germline.
Comment: This sequence change replaces arginine, which is basic and polar, with histidine, which is basic and polar, at codon 894 of the RNF31 protein (p.Arg894His). This variant is present in population databases (no rsID available, gnomAD 0.01%). This variant has not been reported in the literature in individuals affected with RNF31-related conditions. An algorithm developed to predict the effect of missense changes on protein structure and function (PolyPhen-2) suggests that this variant is likely to be disruptive. In summary, the available evidence is currently insufficient to determine the role of this variant in disease. Therefore, it has been classified as a Variant of Uncertain Significance.